The following is an entry in ClinVar:

ClinVar aggregate classification (germline): Pathogenic (1 of 4 stars; one submission).

Conditions:
Familial adenomatous polyposis 2. Also called: MUTYH Polyposis; COLORECTAL ADENOMATOUS POLYPOSIS, AUTOSOMAL RECESSIVE; ADENOMAS, MULTIPLE COLORECTAL, AUTOSOMAL RECESSIVE; MUTYH-associated polyposis; MUTYH-related attenuated familial adenomatous polyposis; Adenomas, multiple colorectal. Identifiers: Orphanet 220460, Orphanet 247798, MedGen C3272841, MONDO:0012041, OMIM 608456.

Submission:

Labcorp Genetics (formerly Invitae), Labcorp
Classification: Pathogenic for Familial adenomatous polyposis 2. Last evaluated: 2019-03-08. Review status: criteria provided, single submitter. Criteria: Invitae Variant Classification Sherloc (09022015). Collection method: clinical testing. Allele origin: germline.
Comment: For these reasons, this variant has been classified as Pathogenic. This variant disrupts the p.Tyr179 amino acid residue in MUTYH. Other variant(s) that disrupt this residue have been observed in affected individuals (PMID: 19732775, 21520333, 23035301, 12606733, 16557584, 17489848), suggesting that it is a clinically significant residue. As a result, variants that disrupt this residue are likely to be causative of disease This variant has not been reported in the literature in individuals with MUTYH-related disease. ClinVar contains an entry for this variant (Variation ID: 464717). This variant is a deletion of the genomic region encompassing exon 2-7 and part of exon 8 (c.37-1317_667del) of the MUTYH gene. It is expected to disrupt RNA splicing and likely results in an absent or disrupted protein product.

Literature cited by the submitters: PubMed 19732775; PubMed 21520333; PubMed 23035301; PubMed 12606733; PubMed 16557584; PubMed 17489848.

NC_000001.11:g.(?_45332568)_(45334517_?)del

Gene: MUTYH (mutY DNA glycosylase; minus strand). Cytogenetic location: 1p34.1.
Variant type: Deletion.
Identifiers: ClinVar variation 533332 (VCV000533332.4).